The following is an entry in ClinVar:

ClinVar aggregate classification (germline): Likely pathogenic. Review status: criteria provided, multiple submitters, no conflicts (2 of 4 stars). 2 submissions from 2 submitters: Likely pathogenic (2). Last evaluated 2025-12-17.

Conditions:
VWF-related disorder. Also called: VWF-related disorders; VWF-related condition.

Submissions (2):

Mayo Clinic Laboratories, Mayo Clinic
Classification: Likely pathogenic. Last evaluated: 2025-12-17. Review status: criteria provided, single submitter. Criteria: ACMG Guidelines, 2015. Collection method: clinical testing. Allele origin: germline. Observed: 2 variant alleles.
Comment: PP3_moderate, PM2_supporting, PS1

Blueprint Genetics
Classification: Likely pathogenic for VWF-related disorders. Last evaluated: 2021-11-16. Review status: criteria provided, single submitter. Criteria: ACMG Guidelines, 2015. Collection method: clinical testing. Allele origin: germline. Affected: yes. Observed: 1 variant allele.

NM_000552.5(VWF):c.3538G>C (p.Gly1180Arg)

Gene: VWF (von Willebrand factor; minus strand). Cytogenetic location: 12p13.31.
Variant type: single nucleotide variant.
Coding change: c.3538G>C on transcript NM_000552.5 (MANE Select); coding-DNA position 3538, G replaced by C.
Protein change: p.Gly1180Arg; replaces glycine 1180 with arginine.
Molecular consequence: missense variant.
Genome position (GRCh38, 1-based): chr12:6,022,740, C>G on the plus strand (G>C on the coding strand, the complement: VWF is on the minus strand). VCF-style: chr12-6022740-C-G. GRCh37 (hg19) VCF-style: chr12-6131906-C-G.
Other names: p.?; short protein forms G1180R.
Identifiers: ClinVar variation 4541683 (VCV004541683.2).